The following is an entry in ClinVar:

NM_001110556.2(FLNA):c.4183C>T (p.Pro1395Ser)

Gene: FLNA (filamin A; minus strand). Cytogenetic location: Xq28.
Variant type: single nucleotide variant.
Coding change: c.4183C>T on transcript NM_001110556.2 (MANE Select); coding-DNA position 4183, C replaced by T.
Protein change: p.Pro1395Ser; replaces proline 1395 with serine.
Molecular consequence: missense variant.
Genome position (GRCh38, 1-based): chrX:154,359,366, G>A on the plus strand (C>T on the coding strand, the complement: FLNA is on the minus strand). VCF-style: chrX-154359366-G-A. GRCh37 (hg19) VCF-style: chrX-153587734-G-A.
Other names: p.Pro1395Ser; c.4183C>T, p.Pro1395Ser (NM_001456.4); c.4183C>T (NM_001110556.1); short protein forms P1395S.
Identifiers: ClinVar variation 1011642 (VCV001011642.16), dbSNP rs782161982, ClinGen allele CA10560577.

ClinVar aggregate classification (germline): Uncertain significance. Review status: criteria provided, multiple submitters, no conflicts (2 of 4 stars). 6 submissions from 6 submitters: Uncertain significance (5). 1 of the submissions does not count toward it. Last evaluated 2026-01-18.

Conditions:
Familial thoracic aortic aneurysm and aortic dissection (TAAD). Also called: Thoracic aortic aneurysms and dissections. Identifiers: Orphanet 91387, MedGen C4707243, MONDO:0019625.
Frontometaphyseal dysplasia (FMD1). Identifiers: Orphanet 1826, MedGen C0265293, MONDO:0015942.
Melnick-Needles syndrome (MNS). Also called: MELNICK-NEEDLES OSTEODYSPLASTY; OSTEODYSPLASTY OF MELNICK AND NEEDLES; Melnick-Needles Syndrome (FLNA-MNS). Identifiers: Orphanet 2484, MedGen C0025237, MONDO:0010650, OMIM 309350.
Oto-palato-digital syndrome, type II (OPD2). Also called: FACIOPALATOOSSEOUS SYNDROME; Otopalatodigital Syndrome, Type II; OPD II SYNDROME; Otopalatodigital Syndrome Type 2 (FLNA-OPD2). Identifiers: Orphanet 669, Orphanet 90652, MedGen C1844696, MONDO:0010571, OMIM 304120.
Heterotopia, periventricular, X-linked dominant (PVNH1). Also called: PERIVENTRICULAR NODULAR HETEROTOPIA 1; X-linked periventricular heterotopia; PERIVENTRICULAR NODULAR HETEROTOPIA 4; HETEROTOPIA, PERIVENTRICULAR, 1. Identifiers: Orphanet 2149, Orphanet 82004, MedGen C1848213, MONDO:0010233, OMIM 300049.
FLNA-related disorder.

Allele frequency attached by ClinVar (database versions not stated): ExAC 0.00001; gnomAD exomes 0.00002 and 0.00004; TOPMed 0.00003; gnomAD 0.00004.

Submissions (6):

Labcorp Genetics (formerly Invitae), Labcorp
Classification: Uncertain significance for Oto-palato-digital syndrome, type II; Heterotopia, periventricular, X-linked dominant; Frontometaphyseal dysplasia; Melnick-Needles syndrome. Last evaluated: 2026-01-18. Review status: criteria provided, single submitter. Criteria: Invitae Variant Classification Sherloc (09022015). Collection method: clinical testing. Allele origin: germline.
Comment: This sequence change replaces proline, which is neutral and non-polar, with serine, which is neutral and polar, at codon 1395 of the FLNA protein (p.Pro1395Ser). This variant is present in population databases (rs782161982, gnomAD 0.005%). This variant has not been reported in the literature in individuals affected with FLNA-related conditions. ClinVar contains an entry for this variant (Variation ID: 1011642). Invitae Evidence Modeling of protein sequence and biophysical properties (such as structural, functional, and spatial information, amino acid conservation, physicochemical variation, residue mobility, and thermodynamic stability) has been performed for this missense variant. However, the output from this modeling did not meet the statistical confidence thresholds required to predict the impact of this variant on FLNA protein function. In summary, the available evidence is currently insufficient to determine the role of this variant in disease. Therefore, it has been classified as a Variant of Uncertain Significance.

Mayo Clinic Laboratories, Mayo Clinic
Classification: Uncertain significance. Last evaluated: 2025-10-08. Review status: criteria provided, single submitter. Criteria: ACMG Guidelines, 2015. Collection method: clinical testing. Allele origin: germline. Observed: 1 variant allele.
Comment: BS2, PP2, PP3_moderate

Ambry Genetics
Classification: Uncertain significance for Familial thoracic aortic aneurysm and aortic dissection. Last evaluated: 2024-11-29. Review status: criteria provided, single submitter. Criteria: Ambry Variant Classification Scheme 2023. Collection method: clinical testing. Allele origin: germline.
Comment: The p.P1395S variant (also known as c.4183C>T), located in coding exon 24 of the FLNA gene, results from a C to T substitution at nucleotide position 4183. The proline at codon 1395 is replaced by serine, an amino acid with similar properties. Based on data from gnomAD, the T allele has an overall frequency of 0.0022% (4/181214) total alleles studied, with 3 hemizygotes observed. The highest observed frequency was 0.0049% (4/81184) of European (non-Finnish) alleles. This amino acid position is highly conserved in available vertebrate species. In addition, this alteration is predicted to be deleterious by in silico analysis. Since supporting evidence is limited at this time, the clinical significance of this alteration remains unclear.

Women's Health and Genetics/Laboratory Corporation of America, LabCorp
Classification: Uncertain significance. Last evaluated: 2024-09-29. Review status: criteria provided, single submitter. Criteria: LabCorp Variant Classification Summary - May 2015. Collection method: clinical testing. Allele origin: germline.

GeneDx
Classification: Uncertain significance. Last evaluated: 2022-06-01. Review status: criteria provided, single submitter. Criteria: GeneDx Variant Classification Process June 2021. Collection method: clinical testing. Allele origin: germline. Affected: yes.
Comment: Has not been previously published as pathogenic or benign to our knowledge; In silico analysis supports that this missense variant has a deleterious effect on protein structure/function

PreventionGenetics, part of Exact Sciences
Classification: Uncertain significance for FLNA-related condition. Last evaluated: 2024-05-15. Review status: no assertion criteria provided. Collection method: clinical testing. Allele origin: germline. Not counted in ClinVar's aggregate classification.
Comment: The FLNA c.4183C>T variant is predicted to result in the amino acid substitution p.Pro1395Ser. To our knowledge, this variant has not been reported in the literature. This variant is reported in 0.0049% of alleles in individuals of European (Non-Finnish) descent in gnomAD. At this time, the clinical significance of this variant is uncertain due to the absence of conclusive functional and genetic evidence.